The following is an entry in ClinVar:

NM_014324.6(AMACR):c.366C>T (p.His122=)

Genes: AMACR (alpha-methylacyl-CoA racemase; minus strand), C1QTNF3-AMACR (C1QTNF3-AMACR readthrough (NMD candidate); minus strand). Cytogenetic location: 5p13.2.
Variant type: single nucleotide variant.
Coding change: c.366C>T on transcript NM_014324.6 (MANE Select); coding-DNA position 366, C replaced by T.
Protein change: p.His122=; no amino-acid change (histidine 122 retained).
Molecular consequence: synonymous variant. On other transcripts: non-coding transcript variant (1).
Genome position (GRCh38, 1-based): chr5:34,005,781, G>A on the plus strand (C>T on the coding strand, the complement: AMACR is on the minus strand). VCF-style: chr5-34005781-G-A. GRCh37 (hg19) VCF-style: chr5-34005886-G-A.
Other names: c.366C>T, p.His122= (NM_001167595.2, NM_203382.3).
Identifiers: ClinVar variation 907076 (VCV000907076.10), dbSNP rs775128044, ClinGen allele CA3226234.

ClinVar aggregate classification (germline): Conflicting classifications of pathogenicity. Review status: criteria provided, conflicting classifications (1 of 4 stars). 4 submissions from 4 submitters: Uncertain significance (1); Likely benign (3). Last evaluated 2024-10-10.

Conditions:
AMACR-related disorder. Also called: AMACR-related condition; AMACR-Related Disorders.
Alpha-methylacyl-CoA racemase deficiency (AMACRD). Also called: AMACR deficiency. Identifiers: Orphanet 79095, MedGen C3280428, MONDO:0013681, OMIM 614307. Disease mechanism: loss of function.

Allele frequency attached by ClinVar (database versions not stated): gnomAD 0.00001; gnomAD exomes 0.00005 and 0.00002; ExAC 0.00007; TOPMed 0.00002.
gnomAD v4.1: 28 of 1,613,842 alleles (0.0017%); highest among the groups gnomAD compares: East Asian, 0.051%; no homozygotes.

Submissions (4):

PreventionGenetics, part of Exact Sciences
Classification: Likely benign for AMACR-related condition. Last evaluated: 2024-10-10. Review status: criteria provided, single submitter. Criteria: ACMG Guidelines, 2015. Collection method: clinical testing. Allele origin: germline.
Comment: This variant is classified as likely benign based on ACMG/AMP sequence variant interpretation guidelines (Richards et al. 2015 PMID: 25741868, with internal and published modifications).

Blueprint Genetics
Classification: Likely benign. Last evaluated: 2024-06-07. Review status: criteria provided, single submitter. Criteria: ACMG Guidelines, 2015. Collection method: clinical testing. Allele origin: germline.

Labcorp Genetics (formerly Invitae), Labcorp
Classification: Likely benign for Alpha-methylacyl-CoA racemase deficiency. Last evaluated: 2023-12-20. Review status: criteria provided, single submitter. Criteria: Invitae Variant Classification Sherloc (09022015). Collection method: clinical testing. Allele origin: germline.

Illumina Laboratory Services, Illumina
Classification: Uncertain significance for Alpha-methylacyl-CoA racemase deficiency. Last evaluated: 2018-01-13. Review status: criteria provided, single submitter. Criteria: ICSL Variant Classification Criteria 13 December 2019. Collection method: clinical testing. Allele origin: germline.